The following is an entry in ClinVar:

ClinVar aggregate classification (germline): Likely benign (0 of 4 stars; one submission).

Conditions:
TP53I3-related disorder. Also called: TP53I3-related condition.

Allele frequency attached by ClinVar (database versions not stated): 1000 Genomes Project 30x 0.00016; 1000 Genomes Project 0.00020.
gnomAD v4.1: 42 of 1,614,134 alleles (0.0026%); highest among the groups gnomAD compares: African/African-American, 0.043%; no homozygotes.

Submission:

PreventionGenetics, part of Exact Sciences
Classification: Likely benign for TP53I3-related condition. Last evaluated: 2022-06-15. Review status: no assertion criteria provided. Collection method: clinical testing. Allele origin: germline.
Comment: This variant is classified as likely benign based on ACMG/AMP sequence variant interpretation guidelines (Richards et al. 2015 PMID: 25741868, with internal and published modifications).

NM_004881.5(TP53I3):c.75G>C (p.Pro25=)

Genes: FAM228B (family with sequence similarity 228 member B; plus strand), TP53I3 (tumor protein p53 inducible protein 3; minus strand). Cytogenetic location: 2p23.3.
Variant type: single nucleotide variant.
Coding change: c.75G>C on transcript NM_004881.5 (MANE Select); coding-DNA position 75, G replaced by C.
Protein change: p.Pro25=; no amino-acid change (proline 25 retained).
Molecular consequence: synonymous variant. On other transcripts: intron variant (1).
Genome position (GRCh38, 1-based): chr2:24,084,252, C>G on the plus strand (G>C on the coding strand, the complement: TP53I3 is on the minus strand). VCF-style: chr2-24084252-C-G. GRCh37 (hg19) VCF-style: chr2-24307122-C-G.
Other names: c.75G>C, p.Pro25= (NM_001206802.2, NM_147184.4); c.-210+3297C>G (NM_001291328.2).
Identifiers: ClinVar variation 3036962 (VCV003036962.2), dbSNP rs34704159, ClinGen allele CA1549723.